The following is an entry in ClinVar:

NM_201599.3(ZMYM3):c.1753G>A (p.Gly585Arg)

Gene: ZMYM3 (zinc finger MYM-type containing 3; minus strand). Cytogenetic location: Xq13.1.
Variant type: single nucleotide variant.
Coding change: c.1753G>A on transcript NM_201599.3 (MANE Select); coding-DNA position 1753, G replaced by A.
Protein change: p.Gly585Arg; replaces glycine 585 with arginine.
Molecular consequence: missense variant.
Genome position (GRCh38, 1-based): chrX:71,248,509, C>T on the plus strand (G>A on the coding strand, the complement: ZMYM3 is on the minus strand). VCF-style: chrX-71248509-C-T. GRCh37 (hg19) VCF-style: chrX-70468359-C-T.
Other names: c.1753G>A, p.Gly585Arg (NM_001171162.1, NM_005096.3); short protein forms G585R.
Identifiers: ClinVar variation 3902972 (VCV003902972.1).

ClinVar aggregate classification (germline): Uncertain significance (1 of 4 stars; one submission).

Submission:

GeneDx
Classification: Uncertain significance. Last evaluated: 2024-12-11. Review status: criteria provided, single submitter. Criteria: GeneDx Variant Classification Process June 2021. Collection method: clinical testing. Allele origin: germline. Affected: yes.
Comment: Not observed at significant frequency in large population cohorts (gnomAD); In silico analysis supports that this missense variant has a deleterious effect on protein structure/function; Has not been previously published as pathogenic or benign to our knowledge